The following is an entry in ClinVar:

NM_000545.8(HNF1A):c.871C>T (p.Pro291Ser)

Gene: HNF1A (HNF1 homeobox A; plus strand). Cytogenetic location: 12q24.31.
Variant type: single nucleotide variant.
Coding change: c.871C>T on transcript NM_000545.8 (MANE Select); coding-DNA position 871, C replaced by T.
Protein change: p.Pro291Ser; replaces proline 291 with serine.
Molecular consequence: missense variant.
Genome position (GRCh38, 1-based): chr12:120,994,321, C>T. VCF-style: chr12-120994321-C-T. GRCh37 (hg19) VCF-style: chr12-121432124-C-T.
Other names: NM_000545.6(HNF1A):c.871C>T; p.Pro291Ser; c.871C>T, p.Pro291Ser (NM_001306179.2); c.871C>T (NM_000545.6); short protein forms P291S.
Identifiers: ClinVar variation 447505 (VCV000447505.39), dbSNP rs151256267, ClinGen allele CA6831856.

ClinVar aggregate classification (germline): Likely benign. Review status: reviewed by expert panel (3 of 4 stars). 9 submissions from 9 submitters: Likely benign (1). 8 of the submissions do not count toward it. Last evaluated 2025-11-26.

Conditions:
Monogenic diabetes. Identifiers: Orphanet 183625, MedGen C3888631, MONDO:0015967.
Maturity-onset diabetes of the young (MODY). Also called: Maturity onset diabetes mellitus in young. Identifiers: Orphanet 552, MedGen C0342276, MONDO:0018911, HP:0004904.
HNF1A-related disorder. Also called: HNF1A-related condition.
Maturity-onset diabetes of the young type 3. Also called: MODY type 3; MODY, type III. Identifiers: Orphanet 552, MedGen C1838100, MeSH C563933, MONDO:0010894, OMIM 600496. Disease mechanism: loss of function.

Allele frequency attached by ClinVar (database versions not stated): gnomAD 0.00006; TOPMed 0.00009; ESP Exome Variant Server 0.00015.

Submissions (9):

ClinGen Monogenic Diabetes Variant Curation Expert Panel
Classification: Likely benign for Monogenic diabetes. Last evaluated: 2025-11-26. Review status: reviewed by expert panel. Criteria: ClinGen Diabetes ACMG Specifications HNF1A V3.1.0. Collection method: curation. Allele origin: germline. Inheritance: Autosomal dominant inheritance.
Comment: The c.871C>T variant in the HNF1 homeobox A gene, HNF1A, causes an amino acid change of proline to serine at codon 291 (p.(Pro291Ser)) of NM_000545.8. This variant has a REVEL score of 0.56, which is between the ClinGen MDEP thresholds for BP4 and PP3, predicting neither a damaging nor benign impact on HNF1A function. This variant has been observed in unknown phase with the variant c.494G>A, p.Trp165Ter (internal lab contributors), which is classified as pathogenic by the ClinGen MDEP (BP2). Functional studies demonstrated the p.Pro291Ser protein has nuclear localization above 75% of wildtype, indicating that this variant does not impact protein function (PMID: 32910913) (BS3_Supporting). This variant has a Grpmax filtering allele frequency of 0.00002992 and 143 alleles in the Ashkenazi Jewish population, which is not included in the Grpmax (BS1). This variant was identified in four unrelated individuals with non-autoimmune and non-absolute/near-absolute insulin-deficient diabetes; however, PS4 cannot be applied because the variant MAF in gnomAD is above the ClinGen MDEP PM2_Supporting cutoff (PMIDs: 20132997, 31264968, 32910913, 36407475). This variant was observed in 6 normoglycemic individuals, but they are under 70 years old, so BS2 does not apply (internal lab contributors). In summary, c.871C>T meets the criteria to be classified as likely benign for monogenic diabetes. ACMG/AMP criteria applied, as specified by the ClinGen MDEP (specification version 3.1.0, approved 10/10/2025): BP2, BS3_Supporting, BS1

Labcorp Genetics (formerly Invitae), Labcorp
Classification: Benign. Last evaluated: 2025-11-20. Review status: criteria provided, single submitter. Criteria: Invitae Variant Classification Sherloc (09022015). Collection method: clinical testing. Allele origin: germline. Not counted in ClinVar's aggregate classification.

CeGaT Center for Human Genetics Tuebingen
Classification: Likely benign. Last evaluated: 2025-02-01. Review status: criteria provided, single submitter. Criteria: CeGaT Center For Human Genetics Tuebingen Variant Classification Criteria Version 2. Collection method: clinical testing. Allele origin: germline. Affected: yes. Observed: 1 variant allele. Not counted in ClinVar's aggregate classification.
Comment: HNF1A: BP2, BS3:Supporting, BS1

Blueprint Genetics
Classification: Likely benign. Last evaluated: 2024-03-04. Review status: criteria provided, single submitter. Criteria: ACMG Guidelines, 2015. Collection method: clinical testing. Allele origin: germline. Not counted in ClinVar's aggregate classification.

Ambry Genetics
Classification: Likely benign for Maturity-onset diabetes of the young. Last evaluated: 2023-12-01. Review status: criteria provided, single submitter. Criteria: Ambry Variant Classification Scheme 2023. Collection method: clinical testing. Allele origin: germline. Not counted in ClinVar's aggregate classification.

Laboratory for Molecular Medicine, Mass General Brigham Personalized Medicine
Classification: Benign. Last evaluated: 2020-11-06. Review status: criteria provided, single submitter. Criteria: ACMG Guidelines, 2015. Collection method: clinical testing. Allele origin: germline. Not counted in ClinVar's aggregate classification.
Comment: The p.Pro291Ser variant in HNF1A is classified as benign because it has been identified in 0.5% (54/9958) of Ashkenazi Jewish chromosomes by gnomAD and several species (including at least 4 mammals, namely the bat, bushbaby, squirel, mole) carry a Serine (Ser) at this position despite high nearby amino acid conservation. Computational prediction tools further suggest that this variant may not impact the protein, though this information is not predictive enough to rule out pathogenicity. ACMG/AMP Criteria applied: BS1, BP4_Strong.

Illumina Laboratory Services, Illumina
Classification: Likely benign for Maturity-onset diabetes of the young type 3. Last evaluated: 2017-04-28. Review status: criteria provided, single submitter. Criteria: ICSL Variant Classification Criteria 13 December 2019. Collection method: clinical testing. Allele origin: germline. Not counted in ClinVar's aggregate classification.
Comment: This variant was observed as part of a predisposition screen in an ostensibly healthy population. A literature search was performed for the gene, cDNA change, and amino acid change (where applicable). Publications were found based on this search. The evidence from the literature, in combination with allele frequency data from public databases where available, was sufficient to determine this variant is unlikely to cause disease. Therefore, this variant is classified as likely benign.

Athena Diagnostics
Classification: Benign. Last evaluated: 2017-04-17. Review status: criteria provided, single submitter. Criteria: Athena Diagnostics Criteria. Collection method: clinical testing. Allele origin: germline. Not counted in ClinVar's aggregate classification.

PreventionGenetics, part of Exact Sciences
Classification: Likely benign for HNF1A-related condition. Last evaluated: 2021-02-19. Review status: no assertion criteria provided. Collection method: clinical testing. Allele origin: germline. Not counted in ClinVar's aggregate classification.
Comment: This variant is classified as likely benign based on ACMG/AMP sequence variant interpretation guidelines (Richards et al. 2015 PMID: 25741868, with internal and published modifications).

Literature cited by the submitters: PubMed 20132997 (cited by 3 submitters); PubMed 31264968 (cited by ClinGen Monogenic Diabetes Variant Curation Expert Panel); PubMed 32910913 (cited by ClinGen Monogenic Diabetes Variant Curation Expert Panel); PubMed 36407475 (cited by ClinGen Monogenic Diabetes Variant Curation Expert Panel); PubMed 22802087 (cited by Illumina Laboratory Services, Illumina and Athena Diagnostics); PubMed 23274891 (cited by Athena Diagnostics).